The following is an entry in ClinVar:

NM_001211.6(BUB1B):c.2471G>A (p.Ser824Asn)

Gene: BUB1B (BUB1 mitotic checkpoint serine/threonine kinase B; plus strand). Cytogenetic location: 15q15.1.
Variant type: single nucleotide variant.
Coding change: c.2471G>A on transcript NM_001211.6 (MANE Select); coding-DNA position 2471, G replaced by A.
Protein change: p.Ser824Asn; replaces serine 824 with asparagine.
Molecular consequence: missense variant.
Genome position (GRCh38, 1-based): chr15:40,212,584, G>A. VCF-style: chr15-40212584-G-A. GRCh37 (hg19) VCF-style: chr15-40504785-G-A.
Other names: short protein forms S824N.
Identifiers: ClinVar variation 3262241 (VCV003262241.1).

ClinVar aggregate classification (germline): Uncertain significance (1 of 4 stars; one submission).

Conditions:
Inborn genetic diseases. Identifiers: MedGen C0950123, MeSH D030342.

Submission:

Ambry Genetics
Classification: Uncertain significance for Inborn genetic diseases. Last evaluated: 2024-04-20. Review status: criteria provided, single submitter. Criteria: Ambry Variant Classification Scheme 2023. Collection method: clinical testing. Allele origin: germline.
Comment: The p.S824N variant (also known as c.2471G>A), located in coding exon 19 of the BUB1B gene, results from a G to A substitution at nucleotide position 2471. The serine at codon 824 is replaced by asparagine, an amino acid with highly similar properties. This amino acid position is conserved. In addition, this alteration is predicted to be tolerated by in silico analysis. Based on the available evidence, the clinical significance of this variant remains unclear.